The following is an entry in ClinVar:

ClinVar aggregate classification (germline): Conflicting classifications of pathogenicity. Review status: criteria provided, conflicting classifications (1 of 4 stars). 4 submissions from 4 submitters: Pathogenic (1); Likely pathogenic (2); Uncertain significance (1). Last evaluated 2022-05-22.

Conditions:
Platelet-type bleeding disorder 10. Also called: CD36 DEFICIENCY. Identifiers: MedGen C1842090, MONDO:0012031, OMIM 608404.

Submissions (4):

3billion
Classification: Pathogenic for Platelet-type bleeding disorder 10. Last evaluated: 2022-05-22. Review status: criteria provided, single submitter. Criteria: ACMG Guidelines, 2015. Collection method: clinical testing. Allele origin: germline. Affected: yes. Observed: 1 heterozygote.
Comment: The variant is observed at an extremely low frequency in the gnomAD v2.1.1 dataset (total allele frequency: 0.012%). Frameshift: predicted to result in a loss or disruption of normal protein function through nonsense-mediated decay (NMD) or protein truncation. Multiple pathogenic variants are reported downstream of the variant. The variant has been reported to be associated with CD36 related disorder (ClinVar ID: VCV001299074). Therefore, this variant is classified as pathogenic according to the recommendation of ACMG/AMP guideline.

CeGaT Center for Human Genetics Tuebingen
Classification: Likely pathogenic. Last evaluated: 2021-08-01. Review status: criteria provided, single submitter. Criteria: CeGaT Center For Human Genetics Tuebingen Variant Classification Criteria Version 2. Collection method: clinical testing. Allele origin: germline. Affected: yes. Observed: 1 variant allele.

GeneDx
Classification: Uncertain significance. Last evaluated: 2021-06-03. Review status: criteria provided, single submitter. Criteria: GeneDx Variant Classification Process June 2021. Collection method: clinical testing. Allele origin: germline. Affected: yes.
Comment: Frameshift variant predicted to result in protein truncation or nonsense mediated decay in a gene for which loss-of-function is a known mechanism of disease; Has not been previously published as pathogenic or benign to our knowledge; This variant is associated with the following publications: (PMID: 27535533)

Revvity Omics, Revvity
Classification: Likely pathogenic for Platelet-type bleeding disorder 10. Last evaluated: 2021-05-09. Review status: criteria provided, single submitter. Criteria: ACMG Guidelines, 2015. Collection method: clinical testing. Allele origin: germline.

NM_001001548.3(CD36):c.447_450dup (p.Asn151fs)

Gene: CD36 (CD36 molecule (CD36 blood group); plus strand). Cytogenetic location: 7q21.11.
Variant type: Duplication.
Coding change: c.447_450dup on transcript NM_001001548.3 (MANE Select); coding-DNA positions 447 to 450, 4 bases duplicated (TCAA; older notation c.447_450dupTCAA).
Protein change: p.Asn151fs; shifts the reading frame from asparagine 151.
Molecular consequence: frameshift variant. On other transcripts: non-coding transcript variant (1), intron variant (1), 5 prime UTR variant (2).
Genome position (GRCh38, 1-based): chr7:80,663,007-80,663,010, TCAA duplicated; duplicating any 4 consecutive bases within chr7:80,663,006-80,663,010 gives the same sequence; the c. name uses the placement nearest the transcript's 3' end. VCF-style (leftmost placement, unchanged base first): chr7-80663005-T-TATCA. GRCh37 (hg19) VCF-style: chr7-80292321-T-TATCA.
Other names: c.447_450dup (NM_001001548.2); c.430-1399_430-1396dup (NM_001289909.1); c.447_450dup, p.Asn151fs (NM_001127444.2, NM_001289908.1, NM_001371074.1 and 6 more transcripts); c.219_222dup, p.Asn75fs (NM_001289911.2); c.345_348dup, p.Asn117fs (NM_001371079.1); c.-19_-16dup (NM_001371080.1, NM_001371081.1); short protein forms N117fs, N151fs, N75fs.
Identifiers: ClinVar variation 1299074 (VCV001299074.43), dbSNP rs780114238, ClinGen allele CA4315202.